The following is an entry in ClinVar:

ClinVar aggregate classification (germline): Conflicting classifications of pathogenicity. Review status: criteria provided, conflicting classifications (1 of 4 stars). 2 submissions from 2 submitters: Uncertain significance (1); Likely benign (1). Last evaluated 2026-07-10.

Conditions:
Hereditary cancer-predisposing syndrome. Also called: Hereditary Cancer Syndrome; Tumor predisposition; Neoplastic Syndromes, Hereditary; Hereditary neoplastic syndrome. Identifiers: Orphanet 140162, MedGen C0027672, MeSH D009386, MONDO:0015356.
Renal cell carcinoma. Identifiers: Orphanet 217071, MedGen C0007134, MeSH D002292, MONDO:0005086, HP:0005584.

Submissions (2):

Ambry Genetics
Classification: Likely benign for Hereditary cancer-predisposing syndrome. Last evaluated: 2026-07-10. Review status: criteria provided, single submitter. Criteria: Ambry Variant Classification Scheme 2023. Collection method: clinical testing. Allele origin: germline.

Labcorp Genetics (formerly Invitae), Labcorp
Classification: Uncertain significance for Renal cell carcinoma. Last evaluated: 2022-04-01. Review status: criteria provided, single submitter. Criteria: Invitae Variant Classification Sherloc (09022015). Collection method: clinical testing. Allele origin: germline.
Comment: This variant is not present in population databases (gnomAD no frequency). In summary, the available evidence is currently insufficient to determine the role of this variant in disease. Therefore, it has been classified as a Variant of Uncertain Significance. Algorithms developed to predict the effect of missense changes on protein structure and function are either unavailable or do not agree on the potential impact of this missense change (SIFT: "Deleterious"; PolyPhen-2: "Benign"; Align-GVGD: "Class C0"). This variant has not been reported in the literature in individuals affected with MET-related conditions. This sequence change replaces proline, which is neutral and non-polar, with serine, which is neutral and polar, at codon 791 of the MET protein (p.Pro791Ser).

NM_000245.4(MET):c.2317C>T (p.Pro773Ser)

Gene: MET (MET proto-oncogene, receptor tyrosine kinase; plus strand). Cytogenetic location: 7q31.2.
Variant type: single nucleotide variant.
Coding change: c.2317C>T on transcript NM_000245.4 (MANE Select); coding-DNA position 2317, C replaced by T.
Protein change: p.Pro773Ser; replaces proline 773 with serine.
Molecular consequence: missense variant.
Genome position (GRCh38, 1-based): chr7:116,759,443, C>T. VCF-style: chr7-116759443-C-T. GRCh37 (hg19) VCF-style: chr7-116399497-C-T.
Other names: c.2371C>T, p.Pro791Ser (NM_001127500.3); c.2317C>T, p.Pro773Ser (NM_001324401.3); c.1027C>T, p.Pro343Ser (NM_001324402.2); short protein forms P343S, P773S, P791S.
Identifiers: ClinVar variation 1493874 (VCV001493874.11), dbSNP rs2116938395, ClinGen allele CA368982313.